The following is an entry in ClinVar:

ClinVar aggregate classification (germline): Pathogenic (1 of 4 stars; one submission).

Conditions:
Hyperinsulinemic hypoglycemia, familial, 1 (HHF1). Also called: HYPERINSULINISM, FAMILIAL, WITH PANCREATIC NESIDIOBLASTOSIS; HYPOGLYCEMIA, HYPERINSULINEMIC, OF INFANCY; NESIDIOBLASTOSIS OF PANCREAS; Persistent hyperinsulinemic hypoglycemia of infancy; Persistent Hyperinsulinemia Hypoglycemia of Infancy. Identifiers: Orphanet 276575, Orphanet 276598, MedGen C2931832, MONDO:0009734, OMIM 256450.

Submission:

3billion
Classification: Pathogenic for Hyperinsulinemic hypoglycemia, familial, 1. Last evaluated: 2022-05-22. Review status: criteria provided, single submitter. Criteria: ACMG Guidelines, 2015. Collection method: clinical testing. Allele origin: germline. Affected: yes. Observed: 1 homozygote.
Comment: The variant is not observed in the gnomAD v2.1.1 dataset. Frameshift: predicted to result in a loss or disruption of normal protein function through nonsense-mediated decay (NMD) or protein truncation. Multiple pathogenic variants are reported downstream of the variant. Patient's phenotype is considered compatiblie with this disorder. Therefore, this variant is classified as pathogenic according to the recommendation of ACMG/AMP guideline.

NM_000352.6(ABCC8):c.3575dup (p.Asp1192fs)

Gene: ABCC8 (ATP binding cassette subfamily C member 8; minus strand). Cytogenetic location: 11p15.1.
Variant type: Duplication.
Coding change: c.3575dup on transcript NM_000352.6 (MANE Select); coding-DNA position 3575, one base duplicated (A; older notation c.3575dupA).
Protein change: p.Asp1192fs; shifts the reading frame from aspartic acid 1192.
Molecular consequence: frameshift variant. On other transcripts: non-coding transcript variant (1).
Genome position (GRCh38, 1-based): chr11:17,402,736, T duplicated on the plus strand (A on the coding strand, the reverse complement: ABCC8 is on the minus strand). VCF-style (leftmost placement, unchanged base first): chr11-17402735-A-AT. GRCh37 (hg19) VCF-style: chr11-17424282-A-AT.
Other names: c.3578dup, p.Asp1193fs (NM_001287174.3); c.3641dup, p.Asp1214fs (NM_001351295.2); c.3575dup, p.Asp1192fs (NM_001351296.2); c.3572dup, p.Asp1191fs (NM_001351297.2); short protein forms D1191fs, D1192fs, D1193fs, D1214fs.
Identifiers: ClinVar variation 1687616 (VCV001687616.1), dbSNP rs2133430623, ClinGen allele CA2573146136.